The following is an entry in ClinVar:

NM_024577.4(SH3TC2):c.1310A>G (p.Asp437Gly)

Gene: SH3TC2 (SH3 domain and tetratricopeptide repeats 2; minus strand). Cytogenetic location: 5q32.
Variant type: single nucleotide variant.
Coding change: c.1310A>G on transcript NM_024577.4 (MANE Select); coding-DNA position 1310, A replaced by G.
Protein change: p.Asp437Gly; replaces aspartic acid 437 with glycine.
Molecular consequence: missense variant.
Genome position (GRCh38, 1-based): chr5:149,028,422, T>C on the plus strand (A>G on the coding strand, the complement: SH3TC2 is on the minus strand). VCF-style: chr5-149028422-T-C. GRCh37 (hg19) VCF-style: chr5-148407985-T-C.
Other names: short protein forms D437G.
Identifiers: ClinVar variation 3902563 (VCV003902563.1).

ClinVar aggregate classification (germline): Uncertain significance (1 of 4 stars; one submission).

gnomAD v4.1: 2 of 1,613,722 alleles (0.00012%); highest among the groups gnomAD compares: South Asian, 0.0022%; no homozygotes.

Submission:

Women's Health and Genetics/Laboratory Corporation of America, LabCorp
Classification: Uncertain significance. Last evaluated: 2025-05-02. Review status: criteria provided, single submitter. Criteria: LabCorp Variant Classification Summary - May 2015. Collection method: clinical testing. Allele origin: germline.
Comment: Variant summary: SH3TC2 c.1310A>G (p.Asp437Gly) results in a non-conservative amino acid change in the encoded protein sequence. Algorithms developed to predict the effect of missense changes on protein structure and function are either unavailable or do not agree on the potential impact of this missense change. The variant was absent in 250482 control chromosomes (gnomAD). The available data on variant occurrences in the general population are insufficient to allow any conclusion about variant significance. To our knowledge, no occurrence of c.1310A>G in individuals affected with Charcot-Marie-Tooth disease type 4C and no experimental evidence demonstrating its impact on protein function have been reported. No submitters have cited clinical-significance assessments for this variant to ClinVar. Based on the evidence outlined above, the variant was classified as uncertain significance.